The following is an entry in ClinVar:

NM_015386.3(COG4):c.1310A>G (p.Asn437Ser)

Gene: COG4 (component of oligomeric golgi complex 4; minus strand). Cytogenetic location: 16q22.1.
Variant type: single nucleotide variant.
Coding change: c.1310A>G on transcript NM_015386.3 (MANE Select); coding-DNA position 1310, A replaced by G.
Protein change: p.Asn437Ser; replaces asparagine 437 with serine.
Molecular consequence: missense variant. On other transcripts: non-coding transcript variant (1).
Genome position (GRCh38, 1-based): chr16:70,497,941, T>C on the plus strand (A>G on the coding strand, the complement: COG4 is on the minus strand). VCF-style: chr16-70497941-T-C. GRCh37 (hg19) VCF-style: chr16-70531844-T-C.
Other names: c.1298A>G, p.Asn433Ser (NM_001195139.2); c.884A>G, p.Asn295Ser (NM_001365426.1); c.1310A>G (NM_015386.2); short protein forms N295S, N433S, N437S.
Identifiers: ClinVar variation 2440189 (VCV002440189.5), dbSNP rs753030937, ClinGen allele CA8144374.

ClinVar aggregate classification (germline): Uncertain significance. Review status: criteria provided, multiple submitters, no conflicts (2 of 4 stars). 3 submissions from 3 submitters: Uncertain significance (3). Last evaluated 2025-04-19.

Conditions:
Inborn genetic diseases. Identifiers: MedGen C0950123, MeSH D030342.
COG4-congenital disorder of glycosylation. Also called: CONGENITAL DISORDER OF GLYCOSYLATION, TYPE IIj; CDG IIj; COG4-CDG. Identifiers: Orphanet 263501, MedGen C4303552, MONDO:0013281, OMIM 613489.

Allele frequency attached by ClinVar (database versions not stated): ExAC 0.00001; gnomAD exomes 0.00001; TOPMed 0.00001; gnomAD 0.00003.
gnomAD v4.1: 19 of 1,565,090 alleles (0.0012%); highest among the groups gnomAD compares: Middle Eastern, 0.017%; no homozygotes.

Submissions (3):

Labcorp Genetics (formerly Invitae), Labcorp
Classification: Uncertain significance for COG4-congenital disorder of glycosylation. Last evaluated: 2025-04-19. Review status: criteria provided, single submitter. Criteria: Invitae Variant Classification Sherloc (09022015). Collection method: clinical testing. Allele origin: germline.
Comment: This sequence change replaces asparagine, which is neutral and polar, with serine, which is neutral and polar, at codon 437 of the COG4 protein (p.Asn437Ser). This variant is present in population databases (rs753030937, gnomAD 0.002%). This variant has not been reported in the literature in individuals affected with COG4-related conditions. ClinVar contains an entry for this variant (Variation ID: 2440189). Invitae Evidence Modeling of protein sequence and biophysical properties (such as structural, functional, and spatial information, amino acid conservation, physicochemical variation, residue mobility, and thermodynamic stability) indicates that this missense variant is not expected to disrupt COG4 protein function with a negative predictive value of 80%. In summary, the available evidence is currently insufficient to determine the role of this variant in disease. Therefore, it has been classified as a Variant of Uncertain Significance.

Ambry Genetics
Classification: Uncertain significance for Inborn genetic diseases. Last evaluated: 2024-08-05. Review status: criteria provided, single submitter. Criteria: Ambry Variant Classification Scheme 2023. Collection method: clinical testing. Allele origin: germline.

Revvity Omics, Revvity
Classification: Uncertain significance. Last evaluated: 2022-05-08. Review status: criteria provided, single submitter. Criteria: ACMG Guidelines, 2015. Collection method: clinical testing. Allele origin: germline.